The following is an entry in ClinVar:

ClinVar aggregate classification (germline): Conflicting classifications of pathogenicity. Review status: criteria provided, conflicting classifications (1 of 4 stars). 3 submissions from 3 submitters: Uncertain significance (2); Likely benign (1). Last evaluated 2024-11-06.

Allele frequency attached by ClinVar (database versions not stated): gnomAD 0.00004 and 0.00003; ESP Exome Variant Server 0.00008; TOPMed 0.00009; ExAC 0.00002; gnomAD exomes 0.00002.
gnomAD v4.1: 43 of 1,613,988 alleles (0.0027%); highest among the groups gnomAD compares: Middle Eastern, 0.099%; no homozygotes.

Submissions (3):

ARUP Laboratories, Molecular Genetics and Genomics, ARUP Laboratories
Classification: Uncertain significance. Last evaluated: 2024-11-06. Review status: criteria provided, single submitter. Criteria: ARUP Molecular Germline Variant Investigation Process 2024. Collection method: clinical testing. Allele origin: germline.
Comment: The NOTCH3 c.1729A>G; p.Thr577Ala variant (rs368181126; ClinVar ID: 447797) is reported in the literature in an individual affected with CADASIL, although supporting evidence of pathogenicity was not provided (Ferreira 2007). This variant is found in the general population with an overall allele frequency of 0.002% (7/282,084 alleles) in the Genome Aggregation Database (v2.1.1). Computational analyses are uncertain whether this variant is neutral or deleterious (REVEL: 0.481). Most pathogenic NOTCH3 variants occur in exons 2-24 and either create or destroy a cysteine residue within an EGF-like domain (Rutten 2014). However, there are several amino acid substitutions not involving cysteine that may be disease-associated (Muino 2017). Although the p.Thr577Ala variant does not involve a cysteine residue, due to its low population frequency its clinical significance is uncertain. References: Ferreira S et al. Novel human pathological mutations. Gene symbol: NOTCH3. Disease: cerebral autosomal dominant arteriopathy with subcortical infarcts and leukoencephalopathy. Hum Genet. 2007 Jun;121(5):651-2. PMID: 17879453. Muino E et al. Systematic Review of Cysteine-Sparing NOTCH3 Missense Mutations in Patients with Clinical Suspicion of CADASIL. Int J Mol Sci. 2017 Sep 13;18(9). pii: E1964. PMID: 28902129. Rutten JW et al. Interpretation of NOTCH3 mutations in the diagnosis of CADASIL. Expert Rev Mol Diagn. 2014 Jun;14(5):593-603. PMID: 24844136.

Labcorp Genetics (formerly Invitae), Labcorp
Classification: Likely benign. Last evaluated: 2024-02-12. Review status: criteria provided, single submitter. Criteria: Invitae Variant Classification Sherloc (09022015). Collection method: clinical testing. Allele origin: germline.

Athena Diagnostics
Classification: Uncertain significance. Last evaluated: 2016-12-02. Review status: criteria provided, single submitter. Criteria: Athena Diagnostics Criteria. Collection method: clinical testing. Allele origin: germline.

Literature cited by the submitters: PubMed 25098330 (cited by Athena Diagnostics); PubMed 17879447 (cited by Athena Diagnostics).

NM_000435.3(NOTCH3):c.1729A>G (p.Thr577Ala)

Gene: NOTCH3 (notch receptor 3; minus strand). Cytogenetic location: 19p13.12.
Variant type: single nucleotide variant.
Coding change: c.1729A>G on transcript NM_000435.3 (MANE Select); coding-DNA position 1729, A replaced by G.
Protein change: p.Thr577Ala; replaces threonine 577 with alanine.
Molecular consequence: missense variant.
Genome position (GRCh38, 1-based): chr19:15,187,216, T>C on the plus strand (A>G on the coding strand, the complement: NOTCH3 is on the minus strand). VCF-style: chr19-15187216-T-C. GRCh37 (hg19) VCF-style: chr19-15298027-T-C.
Other names: short protein forms T577A.
Identifiers: ClinVar variation 447797 (VCV000447797.10), dbSNP rs368181126, ClinGen allele CA9263566.